The following is an entry in ClinVar:

NM_000271.5(NPC1):c.1695C>T (p.Phe565=)

Gene: NPC1 (NPC intracellular cholesterol transporter 1; minus strand). Cytogenetic location: 18q11.2.
Variant type: single nucleotide variant.
Coding change: c.1695C>T on transcript NM_000271.5 (MANE Select); coding-DNA position 1695, C replaced by T.
Protein change: p.Phe565=; no amino-acid change (phenylalanine 565 retained).
Molecular consequence: synonymous variant.
Genome position (GRCh38, 1-based): chr18:23,548,068, G>A on the plus strand (C>T on the coding strand, the complement: NPC1 is on the minus strand). VCF-style: chr18-23548068-G-A. GRCh37 (hg19) VCF-style: chr18-21128032-G-A.
Identifiers: ClinVar variation 594988 (VCV000594988.17), dbSNP rs373094778, ClinGen allele CA8913394.

ClinVar aggregate classification (germline): Benign/Likely benign. Review status: criteria provided, multiple submitters, no conflicts (2 of 4 stars). 3 submissions from 3 submitters: Benign (1); Likely benign (1). 1 of the submissions does not count toward it. Last evaluated 2026-01-22.

Conditions:
NPC1-related disorder. Also called: NPC1-related condition.
Niemann-Pick disease, type C1. Also called: NEUROVISCERAL STORAGE DISEASE WITH VERTICAL SUPRANUCLEAR OPHTHALMOPLEGIA; NIEMANN-PICK DISEASE WITH CHOLESTEROL ESTERIFICATION BLOCK; NIEMANN-PICK DISEASE WITHOUT SPHINGOMYELINASE DEFICIENCY; NIEMANN-PICK DISEASE, CHRONIC NEURONOPATHIC FORM; NIEMANN-PICK DISEASE, VARIANT TYPE C1. Identifiers: Orphanet 646, MedGen C3179455, MONDO:0009757, OMIM 257220.

Allele frequency attached by ClinVar (database versions not stated): ESP Exome Variant Server 0.00008; gnomAD exomes 0.00011 and 0.00057; gnomAD 0.00012; TOPMed 0.00023; ExAC 0.00076.
gnomAD v4.1: 183 of 1,612,728 alleles (0.011%); highest among the groups gnomAD compares: Admixed American, 0.26%; 3 homozygotes.

Submissions (3):

Labcorp Genetics (formerly Invitae), Labcorp
Classification: Benign for Niemann-Pick disease, type C1. Last evaluated: 2026-01-22. Review status: criteria provided, single submitter. Criteria: Invitae Variant Classification Sherloc (09022015). Collection method: clinical testing. Allele origin: germline.

Eurofins Ntd Llc (ga)
Classification: Likely benign. Last evaluated: 2017-11-16. Review status: criteria provided, single submitter. Criteria: EGL Classification Definitions 2015. Collection method: clinical testing. Allele origin: germline. Observed: 1 variant allele, 1 heterozygote.

PreventionGenetics, part of Exact Sciences
Classification: Likely benign for NPC1-related condition. Last evaluated: 2021-12-14. Review status: no assertion criteria provided. Collection method: clinical testing. Allele origin: germline. Not counted in ClinVar's aggregate classification.
Comment: This variant is classified as likely benign based on ACMG/AMP sequence variant interpretation guidelines (Richards et al. 2015 PMID: 25741868, with internal and published modifications).